The following is an entry in ClinVar:

ClinVar aggregate classification (germline): Pathogenic (1 of 4 stars; one submission).

Conditions:
BAP1-related tumor predisposition syndrome (TPDS1). Also called: Tumor susceptibility linked to germline BAP1 mutations; BAP1 tumor predisposition syndrome; TUMOR PREDISPOSITION SYNDROME 1; COMMON Syndrome. Identifiers: Orphanet 289539, MedGen C3280492, MONDO:0013692, OMIM 614327.

Submission:

Myriad Genetics, Inc.
Classification: Pathogenic for BAP1-related tumor predisposition syndrome. Last evaluated: 2025-06-30. Review status: criteria provided, single submitter. Criteria: Myriad Autosomal Dominant, Autosomal Recessive and X-Linked Classification Criteria (2023). Collection method: clinical testing. Allele origin: unknown.
Comment: This variant is considered pathogenic. This variant creates a frameshift predicted to result in premature protein truncation.

NM_004656.4(BAP1):c.1834_1850dup (p.Arg617_Pro618insArgArgGlyTrpTer)

Gene: BAP1 (BRCA1 associated deubiquitinase 1; minus strand). Cytogenetic location: 3p21.1.
Variant type: Duplication.
Coding change: c.1834_1850dup on transcript NM_004656.4 (MANE Select); coding-DNA positions 1834 to 1850, 17 bases duplicated (AAGACGGGGATGGTGAG).
Protein change: p.Arg617_Pro618insArgArgGlyTrpTer.
Molecular consequence: nonsense.
Genome position (GRCh38, 1-based): chr3:52,403,178-52,403,194, CTCACCATCCCCGTCTT duplicated on the plus strand (AAGACGGGGATGGTGAG on the coding strand, the reverse complement: BAP1 is on the minus strand); duplicating any 17 consecutive bases within chr3:52,403,178-52,403,197 gives the same sequence; the c. name uses the placement nearest the transcript's 3' end. VCF-style (leftmost placement, unchanged base first): chr3-52403177-C-CCTCACCATCCCCGTCTT. GRCh37 (hg19) VCF-style: chr3-52437193-C-CCTCACCATCCCCGTCTT.
Other names: c.1780_1796dup, p.Arg599_Pro600insArgArgGlyTrpTer (NM_001410772.1).
Identifiers: ClinVar variation 4071414 (VCV004071414.1).